The following is an entry in ClinVar:

NM_006514.4(SCN10A):c.1566T>A (p.Asp522Glu)

Gene: SCN10A (sodium voltage-gated channel alpha subunit 10; minus strand). Cytogenetic location: 3p22.2.
Variant type: single nucleotide variant.
Coding change: c.1566T>A on transcript NM_006514.4 (MANE Select); coding-DNA position 1566, T replaced by A.
Protein change: p.Asp522Glu; replaces aspartic acid 522 with glutamic acid.
Molecular consequence: missense variant. On other transcripts: intron variant (1).
Genome position (GRCh38, 1-based): chr3:38,752,408, A>T on the plus strand (T>A on the coding strand, the complement: SCN10A is on the minus strand). VCF-style: chr3-38752408-A-T. GRCh37 (hg19) VCF-style: chr3-38793899-A-T.
Other names: c.1566T>A (NM_006514.2); c.1566T>A, p.Asp522Glu (NM_001293306.2); c.1462-2224T>A (NM_001293307.2); short protein forms D522E.
Identifiers: ClinVar variation 2166360 (VCV002166360.6), dbSNP rs752151307, ClinGen allele CA2320809.

ClinVar aggregate classification (germline): Uncertain significance. Review status: criteria provided, multiple submitters, no conflicts (2 of 4 stars). 2 submissions from 2 submitters: Uncertain significance (2). Last evaluated 2025-10-28.

Conditions:
Cardiovascular phenotype. Identifiers: MedGen CN230736.
Brugada syndrome. Also called: Sudden unexplained nocturnal death syndrome; Sudden unexpected nocturnal death syndrome; Sudden Unexplained Death Syndrome; Sudden Unexplained Nocturnal Death Syndrome (SUNDS). Identifiers: Orphanet 130, MedGen C1142166, MONDO:0015263.

Allele frequency attached by ClinVar (database versions not stated): gnomAD exomes below 0.00001; ExAC 0.00001.
gnomAD v4.1: 3 of 1,613,918 alleles (0.00019%); highest among the groups gnomAD compares: Non-Finnish European, 0.00025%; no homozygotes.

Submissions (2):

Ambry Genetics
Classification: Uncertain significance for Cardiovascular phenotype. Last evaluated: 2025-10-28. Review status: criteria provided, single submitter. Criteria: Ambry Variant Classification Scheme 2023. Collection method: clinical testing. Allele origin: germline.

Labcorp Genetics (formerly Invitae), Labcorp
Classification: Uncertain significance for Brugada syndrome. Last evaluated: 2022-05-10. Review status: criteria provided, single submitter. Criteria: Invitae Variant Classification Sherloc (09022015). Collection method: clinical testing. Allele origin: germline.
Comment: In summary, the available evidence is currently insufficient to determine the role of this variant in disease. Therefore, it has been classified as a Variant of Uncertain Significance. Algorithms developed to predict the effect of missense changes on protein structure and function (SIFT, PolyPhen-2, Align-GVGD) all suggest that this variant is likely to be tolerated. This variant has not been reported in the literature in individuals affected with SCN10A-related conditions. This variant is present in population databases (rs752151307, gnomAD 0.002%). This sequence change replaces aspartic acid, which is acidic and polar, with glutamic acid, which is acidic and polar, at codon 522 of the SCN10A protein (p.Asp522Glu).